The following is an entry in ClinVar:

NM_005763.4(AASS):c.71C>T (p.Ala24Val)

Gene: AASS (aminoadipate-semialdehyde synthase; minus strand). Cytogenetic location: 7q31.32.
Variant type: single nucleotide variant.
Coding change: c.71C>T on transcript NM_005763.4 (MANE Select); coding-DNA position 71, C replaced by T.
Protein change: p.Ala24Val; replaces alanine 24 with valine.
Molecular consequence: missense variant.
Genome position (GRCh38, 1-based): chr7:122,133,656, G>A on the plus strand (C>T on the coding strand, the complement: AASS is on the minus strand). VCF-style: chr7-122133656-G-A. GRCh37 (hg19) VCF-style: chr7-121773710-G-A.
Other names: short protein forms A24V.
Identifiers: ClinVar variation 1930600 (VCV001930600.5), dbSNP rs767810117, ClinGen allele CA4458747.
Genomic context (GRCh38, chr7:122,133,656, plus strand): 5'-GGAGCTAGCGGGGCCCTTCTCTCCCAGGCGTTCACATCCTCCCTCCGGACGGCCAACACA[G>A]CTTTGTGGTGAAGACCCTTGGAGAGGCTGACCCCCAGCCTGCCCAGTCCAGTCCTATGTA-3'
Protein context (NP_005754.2, residues 14-34): VSLSKGLHHK[Ala24Val]VLAVRREDVN

ClinVar aggregate classification (germline): Uncertain significance (1 of 4 stars; one submission).

Allele frequency attached by ClinVar (database versions not stated): gnomAD exomes below 0.00001; gnomAD 0.00001; TOPMed 0.00001; ExAC 0.00002.
gnomAD v4.1: 10 of 1,614,052 alleles (0.00062%); highest among the groups gnomAD compares: South Asian, 0.0022%; 1 homozygote.

Submission:

Labcorp Genetics (formerly Invitae), Labcorp
Classification: Uncertain significance. Last evaluated: 2022-06-11. Review status: criteria provided, single submitter. Criteria: Invitae Variant Classification Sherloc (09022015). Collection method: clinical testing. Allele origin: germline.
Comment: This sequence change replaces alanine, which is neutral and non-polar, with valine, which is neutral and non-polar, at codon 24 of the AASS protein (p.Ala24Val). This variant is present in population databases (rs767810117, gnomAD 0.006%). This variant has not been reported in the literature in individuals affected with AASS-related conditions. Algorithms developed to predict the effect of missense changes on protein structure and function (SIFT, PolyPhen-2, Align-GVGD) all suggest that this variant is likely to be tolerated. In summary, the available evidence is currently insufficient to determine the role of this variant in disease. Therefore, it has been classified as a Variant of Uncertain Significance.